The following is an entry in ClinVar:

NM_052947.4(ALPK2):c.6082A>G (p.Thr2028Ala)

Gene: ALPK2 (alpha kinase 2; minus strand). Cytogenetic location: 18q21.31.
Variant type: single nucleotide variant.
Coding change: c.6082A>G on transcript NM_052947.4 (MANE Select); coding-DNA position 6082, A replaced by G.
Protein change: p.Thr2028Ala; replaces threonine 2028 with alanine.
Molecular consequence: missense variant.
Genome position (GRCh38, 1-based): chr18:58,504,096, T>C on the plus strand (A>G on the coding strand, the complement: ALPK2 is on the minus strand). VCF-style: chr18-58504096-T-C. GRCh37 (hg19) VCF-style: chr18-56171328-T-C.
Other names: short protein forms T2028A.
Identifiers: ClinVar variation 1751457 (VCV001751457.3), dbSNP rs764965896, ClinGen allele CA8976260.

ClinVar aggregate classification (germline): Uncertain significance (1 of 4 stars; one submission).

Allele frequency attached by ClinVar (database versions not stated): TOPMed below 0.00001; ExAC 0.00001; gnomAD exomes 0.00002.
gnomAD v4.1: 25 of 1,614,194 alleles (0.0015%); highest among the groups gnomAD compares: Non-Finnish European, 0.0021%; no homozygotes.

Submission:

Ambry Genetics
Classification: Uncertain significance. Last evaluated: 2024-05-07. Review status: criteria provided, single submitter. Criteria: Ambry Variant Classification Scheme 2023. Collection method: clinical testing. Allele origin: germline.
Comment: The p.T2028A variant (also known as c.6082A>G), located in coding exon 10 of the ALPK2 gene, results from an A to G substitution at nucleotide position 6082. The threonine at codon 2028 is replaced by alanine, an amino acid with similar properties. This amino acid position is conserved. In addition, this alteration is predicted to be tolerated by in silico analysis. Since supporting evidence is limited at this time, the clinical significance of this alteration remains unclear.